The following is an entry in ClinVar:

ClinVar aggregate classification (germline): Conflicting classifications of pathogenicity. Review status: criteria provided, conflicting classifications (1 of 4 stars). 11 submissions from 11 submitters: Uncertain significance (1); Benign (2); Likely benign (6). 2 of the submissions do not count toward it. Last evaluated 2026-01-21.

Conditions:
Inborn genetic diseases. Identifiers: MedGen C0950123, MeSH D030342.
Cortical dysplasia-focal epilepsy syndrome (PTHSL1). Also called: Pitt-Hopkins-like syndrome 1. Identifiers: Orphanet 163681, Orphanet 221150, MedGen C2750246, MONDO:0012400, OMIM 610042.

Allele frequency attached by ClinVar (database versions not stated): ESP Exome Variant Server 0.00085; gnomAD exomes 0.00060; TOPMed 0.00061; gnomAD 0.00066 and 0.00072; ExAC 0.00066.
gnomAD v4.1: 1,649 of 1,614,064 alleles (0.1%); highest among the groups gnomAD compares: Non-Finnish European, 0.13%; 3 homozygotes.

Submissions (11):

Labcorp Genetics (formerly Invitae), Labcorp
Classification: Likely benign for Cortical dysplasia-focal epilepsy syndrome. Last evaluated: 2026-01-21. Review status: criteria provided, single submitter. Criteria: Invitae Variant Classification Sherloc (09022015). Collection method: clinical testing. Allele origin: germline.

Mayo Clinic Laboratories, Mayo Clinic
Classification: Benign. Last evaluated: 2025-07-10. Review status: criteria provided, single submitter. Criteria: ACMG Guidelines, 2015. Collection method: clinical testing. Allele origin: germline. Observed: 2 variant alleles.
Comment: BS1, BS2, BP4, BP7

CeGaT Center for Human Genetics Tuebingen
Classification: Likely benign. Last evaluated: 2024-11-01. Review status: criteria provided, single submitter. Criteria: CeGaT Center For Human Genetics Tuebingen Variant Classification Criteria Version 2. Collection method: clinical testing. Allele origin: germline. Affected: yes. Observed: 1 variant allele.
Comment: CNTNAP2: BP4, BP7

Blueprint Genetics
Classification: Likely benign. Last evaluated: 2024-10-04. Review status: criteria provided, single submitter. Criteria: ACMG Guidelines, 2015. Collection method: clinical testing. Allele origin: germline.

Genetic Services Laboratory, University of Chicago
Classification: Likely benign. Last evaluated: 2016-12-07. Review status: criteria provided, single submitter. Criteria: ACMG Guidelines, 2015. Collection method: clinical testing. Allele origin: germline. Affected: no.

Ambry Genetics
Classification: Likely benign for Inborn genetic diseases. Last evaluated: 2016-09-15. Review status: criteria provided, single submitter. Criteria: Ambry Variant Classification Scheme 2023. Collection method: clinical testing. Allele origin: germline.

Eurofins Ntd Llc (ga)
Classification: Uncertain significance. Last evaluated: 2014-01-13. Review status: criteria provided, single submitter. Criteria: EGL Classification Definitions 2015. Collection method: clinical testing. Allele origin: germline. Observed: 2 variant alleles, 2 heterozygotes.

GeneDx
Classification: Benign. Last evaluated: 2013-05-23. Review status: criteria provided, single submitter. Criteria: GeneDx Variant Classification (06012015). Collection method: clinical testing. Allele origin: germline. Affected: yes.
Comment: This variant is considered likely benign or benign based on one or more of the following criteria: it is a conservative change, it occurs at a poorly conserved position in the protein, it is predicted to be benign by multiple in silico algorithms, and/or has population frequency not consistent with disease.

PreventionGenetics, part of Exact Sciences
Classification: Likely benign. Review status: criteria provided, single submitter. Criteria: ACMG Guidelines, 2015. Collection method: clinical testing. Allele origin: germline.

Clinical Genetics DNA and cytogenetics Diagnostics Lab, Erasmus MC, Erasmus Medical Center
Classification: Likely benign. Review status: no assertion criteria provided. Collection method: clinical testing. Allele origin: germline. Affected: yes. Study: VKGL Data-share Consensus. Not counted in ClinVar's aggregate classification.

Genome Diagnostics Laboratory, University Medical Center Utrecht
Classification: Likely benign. Review status: no assertion criteria provided. Collection method: clinical testing. Allele origin: germline. Affected: yes. Study: VKGL Data-share Consensus. Not counted in ClinVar's aggregate classification.

NM_014141.6(CNTNAP2):c.2508T>C (p.Phe836=)

Gene: CNTNAP2 (contactin associated protein 2; plus strand). Cytogenetic location: 7q35.
Variant type: single nucleotide variant.
Coding change: c.2508T>C on transcript NM_014141.6 (MANE Select); coding-DNA position 2508, T replaced by C.
Protein change: p.Phe836=; no amino-acid change (phenylalanine 836 retained).
Molecular consequence: synonymous variant.
Genome position (GRCh38, 1-based): chr7:148,118,242, T>C. VCF-style: chr7-148118242-T-C. GRCh37 (hg19) VCF-style: chr7-147815334-T-C.
Other names: p.F836F:TTT>TTC; p.Phe836=.
Identifiers: ClinVar variation 136818 (VCV000136818.45), dbSNP rs149185385, ClinGen allele CA232465.